The following is an entry in ClinVar:

NM_002317.7(LOX):c.777C>G (p.His259Gln)

Genes: LOX (lysyl oxidase; minus strand), SRFBP1 (serum response factor binding protein 1; plus strand). Cytogenetic location: 5q23.1.
Variant type: single nucleotide variant.
Coding change: c.777C>G on transcript NM_002317.7 (MANE Select); coding-DNA position 777, C replaced by G.
Protein change: p.His259Gln; replaces histidine 259 with glutamine.
Molecular consequence: missense variant. On other transcripts: 5 prime UTR variant (1).
Genome position (GRCh38, 1-based): chr5:122,075,505, G>C on the plus strand (C>G on the coding strand, the complement: LOX is on the minus strand). VCF-style: chr5-122075505-G-C. GRCh37 (hg19) VCF-style: chr5-121411200-G-C.
Other names: c.87C>G, p.His29Gln (NM_001178102.2); c.-115C>G (NM_001317073.1); c.777C>G (NM_002317.5); short protein forms H259Q, H29Q.
Identifiers: ClinVar variation 2795900 (VCV002795900.4), dbSNP rs745565846, ClinGen allele CA3383935.

ClinVar aggregate classification (germline): Uncertain significance. Review status: criteria provided, multiple submitters, no conflicts (2 of 4 stars). 2 submissions from 2 submitters: Uncertain significance (2). Last evaluated 2025-09-24.

Conditions:
Cardiovascular phenotype. Identifiers: MedGen CN230736.

Allele frequency attached by ClinVar (database versions not stated): gnomAD exomes 0.00001; ExAC 0.00001.
gnomAD v4.1: 12 of 1,612,412 alleles (0.00074%); highest among the groups gnomAD compares: Non-Finnish European, 0.00076%; no homozygotes.

Submissions (2):

Labcorp Genetics (formerly Invitae), Labcorp
Classification: Uncertain significance. Last evaluated: 2025-09-24. Review status: criteria provided, single submitter. Criteria: Invitae Variant Classification Sherloc (09022015). Collection method: clinical testing. Allele origin: germline.
Comment: This sequence change replaces histidine, which is basic and polar, with glutamine, which is neutral and polar, at codon 259 of the LOX protein (p.His259Gln). This variant is present in population databases (rs745565846, gnomAD 0.003%). This variant has not been reported in the literature in individuals affected with LOX-related conditions. ClinVar contains an entry for this variant (Variation ID: 2795900). Invitae Evidence Modeling of protein sequence and biophysical properties (such as structural, functional, and spatial information, amino acid conservation, physicochemical variation, residue mobility, and thermodynamic stability) indicates that this missense variant is not expected to disrupt LOX protein function with a negative predictive value of 95%. In summary, the available evidence is currently insufficient to determine the role of this variant in disease. Therefore, it has been classified as a Variant of Uncertain Significance.

Ambry Genetics
Classification: Uncertain significance for Cardiovascular phenotype. Last evaluated: 2024-05-19. Review status: criteria provided, single submitter. Criteria: Ambry Variant Classification Scheme 2023. Collection method: clinical testing. Allele origin: germline.
Comment: The p.H259Q variant (also known as c.777C>G), located in coding exon 3 of the LOX gene, results from a C to G substitution at nucleotide position 777. The histidine at codon 259 is replaced by glutamine, an amino acid with highly similar properties. This amino acid position is conserved. In addition, this alteration is predicted to be tolerated by in silico analysis. Based on the available evidence, the clinical significance of this variant remains unclear.